The following is an entry in ClinVar:

NM_006393.3(NEBL):c.136A>G (p.Thr46Ala)

Gene: NEBL (nebulette; minus strand). Cytogenetic location: 10p12.31.
Variant type: single nucleotide variant.
Coding change: c.136A>G on transcript NM_006393.3 (MANE Select); coding-DNA position 136, A replaced by G.
Protein change: p.Thr46Ala; replaces threonine 46 with alanine.
Molecular consequence: missense variant. On other transcripts: intron variant (9).
Genome position (GRCh38, 1-based): chr10:20,896,975, T>C on the plus strand (A>G on the coding strand, the complement: NEBL is on the minus strand). VCF-style: chr10-20896975-T-C. GRCh37 (hg19) VCF-style: chr10-21185904-T-C.
Other names: c.249+64697A>G (NM_001377326.1, NM_001377327.1, NM_001377328.1); c.357+64697A>G (NM_213569.2, NM_001173484.2, NM_001377322.1); c.300+64697A>G (NM_001377324.1); c.291+64697A>G (NM_001377325.1); c.309+64697A>G (NM_001377323.1); short protein forms T46A.
Identifiers: ClinVar variation 935912 (VCV000935912.9), dbSNP rs751607557, ClinGen allele CA5433370.

ClinVar aggregate classification (germline): Uncertain significance. Review status: criteria provided, multiple submitters, no conflicts (2 of 4 stars). 2 submissions from 2 submitters: Uncertain significance (2). Last evaluated 2023-10-09.

Conditions:
Primary dilated cardiomyopathy (DCM). Also called: Dilated Cardiomyopathy. Identifiers: Orphanet 217604, MedGen C0007193, MeSH D002311, MONDO:0005021, HP:0001644. Inheritance: Various modes of inheritance.

Allele frequency attached by ClinVar (database versions not stated): gnomAD exomes below 0.00001; ExAC 0.00001.
gnomAD v4.1: 1 of 1,614,054 alleles (0.000062%); highest among the groups gnomAD compares: Non-Finnish European, 0.000085%; no homozygotes.

Submissions (2):

Women's Health and Genetics/Laboratory Corporation of America, LabCorp
Classification: Uncertain significance. Last evaluated: 2023-10-09. Review status: criteria provided, single submitter. Criteria: LabCorp Variant Classification Summary - May 2015. Collection method: clinical testing. Allele origin: germline.

Labcorp Genetics (formerly Invitae), Labcorp
Classification: Uncertain significance for Primary dilated cardiomyopathy. Last evaluated: 2021-10-08. Review status: criteria provided, single submitter. Criteria: Invitae Variant Classification Sherloc (09022015). Collection method: clinical testing. Allele origin: germline.
Comment: In summary, the available evidence is currently insufficient to determine the role of this variant in disease. Therefore, it has been classified as a Variant of Uncertain Significance. Algorithms developed to predict the effect of missense changes on protein structure and function are either unavailable or do not agree on the potential impact of this missense change (SIFT: "Tolerated"; PolyPhen-2: "Possibly Damaging"; Align-GVGD: "Class C0"). This variant has not been reported in the literature in individuals affected with NEBL-related conditions. This variant is present in population databases (rs751607557, ExAC 0.001%). This sequence change replaces threonine with alanine at codon 46 of the NEBL protein (p.Thr46Ala). The threonine residue is moderately conserved and there is a small physicochemical difference between threonine and alanine.